The following is an entry in ClinVar:

ClinVar aggregate classification (germline): Uncertain significance (1 of 4 stars; one submission).

Conditions:
Pheochromocytoma. Also called: MAX-Related Hereditary Paraganglioma-Pheochromocytoma Syndrome. Identifiers: Orphanet 29072, MedGen C0031511, MONDO:0008233, OMIM 171300, HP:0002666.
Pheochromocytoma/paraganglioma syndrome 1. Also called: Paragangliomas 1; Glomus tumors familial 1; Paraganglioma - glomus jugulare; PARAGANGLIOMAS, FAMILIAL NONCHROMAFFIN, 1; PGL 1; Paragangliomas familial 1. Identifiers: Orphanet 29072, MedGen C3494181, MONDO:0008192, OMIM 168000.
Carney-Stratakis syndrome. Also called: PARAGANGLIOMA AND GASTROINTESTINAL STROMAL TUMOR. Identifiers: Orphanet 97286, MedGen C1847319, MONDO:0011740, OMIM 606864.
Cowden syndrome 3 (CWS3). Identifiers: Orphanet 201, MedGen CN166604, MONDO:0014045.

Submission:

Labcorp Genetics (formerly Invitae), Labcorp
Classification: Uncertain significance for Carney-Stratakis syndrome; Paragangliomas with sensorineural hearing loss; Pheochromocytoma; Cowden syndrome 3. Last evaluated: 2016-03-11. Review status: criteria provided, single submitter. Criteria: Invitae Variant Classification Sherloc (09022015). Collection method: clinical testing. Allele origin: germline.
Comment: This sequence change falls in the 3'UTR of the SDHD gene and inserts 11 nucleotides in the 3'UTR of the SDHD gene (c.473_*3dup). The duplicated sequence fall within the last exon of SDHD and extends into the 3'UTR. The duplication may not change the encoded amino acid sequence of the SDHD protein, therefore preserving the integrity of reading frame. This duplication is not present in population databases (ExAC no frequency) and has not been reported in the literature in individuals with a SDHD-related disease. In summary, this variant is a novel duplication with uncertain impact on protein function. There is no indication that it causes disease, but the available evidence is currently insufficient to prove that conclusively. Therefore, it has been classified as a Variant of Uncertain Significance.

NM_003002.4(SDHD):c.473_*3dup (p.Lys158_Ter160=)

Gene: SDHD (succinate dehydrogenase complex subunit D; plus strand). Cytogenetic location: 11q23.1.
Variant type: Duplication.
Coding change: c.473_*3dup on transcript NM_003002.4 (MANE Select); coding-DNA position 473 through 3 bases downstream of the stop codon, 11 bases duplicated (AGCTCTGACCT).
Protein change: p.Lys158_Ter160=.
Molecular consequence: no sequence alteration. On other transcripts: 3 prime UTR variant (2), non-coding transcript variant (1).
Genome position (GRCh38, 1-based): chr11:112,094,963-112,094,973, AGCTCTGACCT duplicated. VCF-style (leftmost placement, unchanged base first): chr11-112094962-A-AAGCTCTGACCT. GRCh37 (hg19) VCF-style: chr11-111965686-A-AAGCTCTGACCT.
Other names: c.356_*3dup, p.Lys119_Ter121= (NM_001276504.2); c.*171_*181dup (NM_001276506.2); c.*70_*80dup (NM_001276503.2).
Identifiers: ClinVar variation 239473 (VCV000239473.1), dbSNP rs878854596, ClinGen allele CA10582874.